The following is an entry in ClinVar:

ClinVar aggregate classification (germline): Conflicting classifications of pathogenicity. Review status: criteria provided, conflicting classifications (1 of 4 stars). 2 submissions from 2 submitters: Uncertain significance (1); Likely benign (1). Last evaluated 2023-10-01.

Allele frequency attached by ClinVar (database versions not stated): gnomAD exomes 0.00001; gnomAD 0.00002; TOPMed 0.00002.
gnomAD v4.1: 18 of 1,603,284 alleles (0.0011%); highest among the groups gnomAD compares: Non-Finnish European, 0.0014%; no homozygotes.

Submissions (2):

CeGaT Center for Human Genetics Tuebingen
Classification: Likely benign. Last evaluated: 2023-10-01. Review status: criteria provided, single submitter. Criteria: CeGaT Center For Human Genetics Tuebingen Variant Classification Criteria Version 2. Collection method: clinical testing. Allele origin: germline. Affected: yes. Observed: 1 variant allele.
Comment: FAT2: BP4, BS2

Ambry Genetics
Classification: Uncertain significance. Last evaluated: 2023-05-05. Review status: criteria provided, single submitter. Criteria: Ambry Variant Classification Scheme 2023. Collection method: clinical testing. Allele origin: germline.

NM_001447.3(FAT2):c.13C>G (p.Leu5Val)

Gene: FAT2 (FAT atypical cadherin 2; minus strand). Cytogenetic location: 5q33.1.
Variant type: single nucleotide variant.
Coding change: c.13C>G on transcript NM_001447.3 (MANE Select); coding-DNA position 13, C replaced by G.
Protein change: p.Leu5Val; replaces leucine 5 with valine.
Molecular consequence: missense variant.
Genome position (GRCh38, 1-based): chr5:151,568,919, G>C on the plus strand (C>G on the coding strand, the complement: FAT2 is on the minus strand). VCF-style: chr5-151568919-G-C. GRCh37 (hg19) VCF-style: chr5-150948480-G-C.
Other names: short protein forms L5V.
Identifiers: ClinVar variation 2515848 (VCV002515848.26), dbSNP rs1488441223, ClinGen allele CA361819006.